The following is an entry in ClinVar:

NM_080680.3(COL11A2):c.2596G>C (p.Gly866Arg)

Gene: COL11A2 (collagen type XI alpha 2 chain; minus strand). Cytogenetic location: 6p21.32.
Variant type: single nucleotide variant.
Coding change: c.2596G>C on transcript NM_080680.3 (MANE Select); coding-DNA position 2596, G replaced by C.
Protein change: p.Gly866Arg; replaces glycine 866 with arginine.
Molecular consequence: missense variant.
Genome position (GRCh38, 1-based): chr6:33,173,733, C>G on the plus strand (G>C on the coding strand, the complement: COL11A2 is on the minus strand). VCF-style: chr6-33173733-C-G. GRCh37 (hg19) VCF-style: chr6-33141510-C-G.
Other names: c.2416G>C, p.Gly806Arg (NM_001424108.1); c.1750G>C, p.Gly584Arg (NM_001424109.1); c.1570G>C, p.Gly524Arg (NM_001424110.1, NM_001424111.1); c.550G>C, p.Gly184Arg (NM_001424112.1); c.2275G>C, p.Gly759Arg (NM_080679.3); c.2338G>C, p.Gly780Arg (NM_080681.3); short protein forms G184R, G780R, G524R, G866R, G584R, G759R, G806R.
Identifiers: ClinVar variation 2747140 (VCV002747140.3), dbSNP rs2534953471, ClinGen allele CA363642651.
Genomic context (GRCh38, chr6:33,173,733, plus strand): 5'-GGGAAGGGGACTTTCGATCCACACTCACCCTCTCTCCAGGGGGCCCATGGGGGCCATCAC[C>G]ACCAGATGTTCCCTGTGGGGGGAAACAGAGTCAAGGAGTGGGAAGAGCTGCTTTCCAGCT-3'
Protein context (NP_542411.2, residues 856-876): GKSGAKGTSG[Gly866Arg]DGPHGPPGER

ClinVar aggregate classification (germline): Uncertain significance (1 of 4 stars; one submission).

Submission:

Labcorp Genetics (formerly Invitae), Labcorp
Classification: Uncertain significance. Last evaluated: 2023-06-16. Review status: criteria provided, single submitter. Criteria: Invitae Variant Classification Sherloc (09022015). Collection method: clinical testing. Allele origin: germline.
Comment: This variant is not present in population databases (gnomAD no frequency). In summary, the available evidence is currently insufficient to determine the role of this variant in disease. Therefore, it has been classified as a Variant of Uncertain Significance. Advanced modeling of protein sequence and biophysical properties (such as structural, functional, and spatial information, amino acid conservation, physicochemical variation, residue mobility, and thermodynamic stability) performed at Invitae indicates that this missense variant is not expected to disrupt COL11A2 protein function. This variant has not been reported in the literature in individuals affected with COL11A2-related conditions. This sequence change replaces glycine, which is neutral and non-polar, with arginine, which is basic and polar, at codon 866 of the COL11A2 protein (p.Gly866Arg).